The following is an entry in ClinVar:

NM_020366.4(RPGRIP1):c.1447C>T (p.Gln483Ter)

Gene: RPGRIP1 (RPGR interacting protein 1; plus strand). Cytogenetic location: 14q11.2.
Variant type: single nucleotide variant.
Coding change: c.1447C>T on transcript NM_020366.4 (MANE Select); coding-DNA position 1447, C replaced by T.
Protein change: p.Gln483Ter; replaces glutamine 483 with a stop codon.
Molecular consequence: nonsense. On other transcripts: 5 prime UTR variant (1).
Genome position (GRCh38, 1-based): chr14:21,320,157, C>T. VCF-style: chr14-21320157-C-T. GRCh37 (hg19) VCF-style: chr14-21788316-C-T.
Other names: c.373C>T, p.Gln125Ter (NM_001377523.1, NM_001377948.1, NM_001377949.1 and 1 more transcripts); c.-126C>T (NM_001377951.1); short protein forms Q125*, Q483*.
Identifiers: ClinVar variation 981640 (VCV000981640.10), dbSNP rs368781265, ClinGen allele CA7088968.

ClinVar aggregate classification (germline): Pathogenic. Review status: criteria provided, multiple submitters, no conflicts (2 of 4 stars). 3 submissions from 3 submitters: Pathogenic (2). 1 of the submissions does not count toward it. Last evaluated 2024-07-18.

Conditions:
RPGRIP1-related disorder. Also called: RPGRIP1-related condition.
Cone-rod dystrophy 13 (CORD13). Identifiers: Orphanet 1872, MedGen C2750720, MONDO:0011987, OMIM 608194.
Leber congenital amaurosis 6 (LCA6). Identifiers: Orphanet 65, MedGen C1854260, MONDO:0013446, OMIM 613826.

Allele frequency attached by ClinVar (database versions not stated): ExAC 0.00001; TOPMed 0.00002; ESP Exome Variant Server 0.00008.

Submissions (3):

Blueprint Genetics
Classification: Pathogenic for RPGRIP1-related disorders. Last evaluated: 2024-07-18. Review status: criteria provided, single submitter. Criteria: ACMG Guidelines, 2015. Collection method: clinical testing. Allele origin: germline. Affected: yes. Observed: 5 variant alleles.

Labcorp Genetics (formerly Invitae), Labcorp
Classification: Pathogenic for Leber congenital amaurosis 6; Cone-rod dystrophy 13. Last evaluated: 2022-03-15. Review status: criteria provided, single submitter. Criteria: Invitae Variant Classification Sherloc (09022015). Collection method: clinical testing. Allele origin: germline.
Comment: This sequence change creates a premature translational stop signal (p.Gln483*) in the RPGRIP1 gene. It is expected to result in an absent or disrupted protein product. Loss-of-function variants in RPGRIP1 are known to be pathogenic (PMID: 11528500, 23105016). For these reasons, this variant has been classified as Pathogenic. Algorithms developed to predict the effect of sequence changes on RNA splicing suggest that this variant may create or strengthen a splice site. ClinVar contains an entry for this variant (Variation ID: 981640). This premature translational stop signal has been observed in individual(s) with inherited retinal disease (PMID: 20079931, 29178642). This variant is not present in population databases (gnomAD no frequency).

Laboratory of Genetics in Ophthalmology, Institut Imagine
Classification: Pathogenic for Leber congenital amaurosis 6. Review status: no assertion criteria provided. Collection method: research. Allele origin: inherited. Affected: yes. Observed: 1 variant allele. Not counted in ClinVar's aggregate classification.

Literature cited by the submitters: PubMed 11528500 (cited by Labcorp Genetics (formerly Invitae), Labcorp); PubMed 23105016 (cited by Labcorp Genetics (formerly Invitae), Labcorp); PubMed 20079931 (cited by Labcorp Genetics (formerly Invitae), Labcorp and Laboratory of Genetics in Ophthalmology, Institut Imagine); PubMed 29178642 (cited by Labcorp Genetics (formerly Invitae), Labcorp).